The following is an entry in ClinVar:

NM_000359.3(TGM1):c.501_503delinsCC (p.Leu167fs)

Gene: TGM1 (transglutaminase 1; minus strand). Cytogenetic location: 14q12.
Variant type: Indel.
Coding change: c.501_503delinsCC on transcript NM_000359.3 (MANE Select); coding-DNA positions 501 to 503, ACT replaced by CC.
Protein change: p.Leu167fs; shifts the reading frame from leucine 167.
Molecular consequence: frameshift variant.
Genome position (GRCh38, 1-based): chr14:24,261,700-24,261,702, AGT replaced by GG on the plus strand (ACT replaced by CC on the coding strand, the reverse complement: TGM1 is on the minus strand). VCF-style: chr14-24261700-AGT-GG. GRCh37 (hg19) VCF-style: chr14-24730906-AGT-GG.
Other names: short protein forms L167fs.
Identifiers: ClinVar variation 4818267 (VCV004818267.1).

ClinVar aggregate classification (germline): Likely pathogenic (1 of 4 stars; one submission).

Conditions:
Autosomal recessive congenital ichthyosis 1 (LI1). Also called: COLLODION FETUS; DESQUAMATION OF NEWBORN; ICHTHYOSIS CONGENITA; ICHTHYOSIS CONGENITA II; LAMELLAR EXFOLIATION OF NEWBORN; ICHTHYOSIS, CONGENITAL, AUTOSOMAL RECESSIVE 1, WITH BATHING SUIT DISTRIBUTION. Identifiers: MedGen C4551630, MONDO:0009441, OMIM 242300.

Submission:

Natera, Inc.
Classification: Likely pathogenic for Autosomal recessive congenital ichthyosis type 1. Last evaluated: 2025-12-22. Review status: criteria provided, single submitter. Criteria: Natera Variant Classification Schema (03/2026). Collection method: clinical testing. Allele origin: germline.
Comment: The c.501_503delinsCC variant in TGM1 is a frameshift variant predicted to shift the reading frame beginning at codon 167 and leads to a stop codon 15 codons downstream. This variant is expected to result in nonsense mediated decay, truncation, or a dysfunctional protein product. This variant is rare in the general population with a frequency below the threshold expected for the associated phenotype(s). Given the available evidence, this variant is classified as Likely Pathogenic.